The following is an entry in ClinVar:

NM_001365536.1(SCN9A):c.2823A>T (p.Gln941His)

Genes: SCN9A (sodium voltage-gated channel alpha subunit 9; minus strand), SCN1A-AS1 (SCN1A and SCN9A antisense RNA 1; plus strand). Cytogenetic location: 2q24.3.
Variant type: single nucleotide variant.
Coding change: c.2823A>T on transcript NM_001365536.1 (MANE Select); coding-DNA position 2823, A replaced by T.
Protein change: p.Gln941His; replaces glutamine 941 with histidine.
Molecular consequence: missense variant.
Genome position (GRCh38, 1-based): chr2:166,277,034, T>A on the plus strand (A>T on the coding strand, the complement: SCN9A is on the minus strand). VCF-style: chr2-166277034-T-A. GRCh37 (hg19) VCF-style: chr2-167133544-T-A.
Other names: c.2790A>T, p.Gln930His (NM_002977.4); short protein forms Q930H, Q941H.
Identifiers: ClinVar variation 1346955 (VCV001346955.6), dbSNP rs2106468715, ClinGen allele CA349077134.

ClinVar aggregate classification (germline): Uncertain significance (1 of 4 stars; one submission).

Conditions:
Neuropathy, hereditary sensory and autonomic, type 2A (HSAN2A). Also called: HSAN IIA; MORVAN DISEASE; NEUROPATHY, CONGENITAL SENSORY; NEUROPATHY, HEREDITARY SENSORY RADICULAR, AUTOSOMAL RECESSIVE; NEUROPATHY, HEREDITARY SENSORY, TYPE IIA; NEUROPATHY, PROGRESSIVE SENSORY, OF CHILDREN. Identifiers: Orphanet 970, MedGen C2752089, MONDO:0024309, OMIM 201300.
Generalized epilepsy with febrile seizures plus, type 7 (GEFSP7). Also called: GEFS+, TYPE 7. Identifiers: Orphanet 36387, MedGen C2751778, MONDO:0013470, OMIM 613863.

Allele frequency attached by ClinVar (database versions not stated): gnomAD exomes below 0.00001.
gnomAD v4.1: 2 of 1,614,060 alleles (0.00012%); highest among the groups gnomAD compares: South Asian, 0.0022%; no homozygotes.

Submission:

Labcorp Genetics (formerly Invitae), Labcorp
Classification: Uncertain significance for Neuropathy, hereditary sensory and autonomic, type 2A; Generalized epilepsy with febrile seizures plus, type 7. Last evaluated: 2021-08-19. Review status: criteria provided, single submitter. Criteria: Invitae Variant Classification Sherloc (09022015). Collection method: clinical testing. Allele origin: germline.
Comment: In summary, the available evidence is currently insufficient to determine the role of this variant in disease. Therefore, it has been classified as a Variant of Uncertain Significance. Algorithms developed to predict the effect of missense changes on protein structure and function are either unavailable or do not agree on the potential impact of this missense change (SIFT: "Deleterious"; PolyPhen-2: "Probably Damaging"; Align-GVGD: "Class C0"). This variant has not been reported in the literature in individuals affected with SCN9A-related conditions. This variant is not present in population databases (ExAC no frequency). This sequence change replaces glutamine with histidine at codon 930 of the SCN9A protein (p.Gln930His). The glutamine residue is highly conserved and there is a small physicochemical difference between glutamine and histidine.